The following is an entry in ClinVar:

ClinVar aggregate classification (germline): Benign/Likely benign. Review status: criteria provided, multiple submitters, no conflicts (2 of 4 stars). 6 submissions from 6 submitters: Benign (4); Likely benign (2). Last evaluated 2025-12-23.

Conditions:
Hirschsprung disease, susceptibility to, 4. Identifiers: Orphanet 388, MedGen C3150975, MONDO:0013384, OMIM 613712.
Waardenburg syndrome type 4B (WS4B). Also called: WAARDENBURG SYNDROME, TYPE 4B, WITH HIRSCHSPRUNG DISEASE. Identifiers: Orphanet 897, MedGen C2750457, MONDO:0013201, OMIM 613265.

Allele frequency attached by ClinVar (database versions not stated): gnomAD exomes 0.00031; gnomAD 0.00035 and 0.00052; TOPMed 0.00042; ExAC 0.00099; 1000 Genomes Project 30x 0.00328; 1000 Genomes Project 0.00379.
gnomAD v4.1: 573 of 1,614,220 alleles (0.035%); highest among the groups gnomAD compares: East Asian, 0.59%; 6 homozygotes.

Submissions (6):

Labcorp Genetics (formerly Invitae), Labcorp
Classification: Benign. Last evaluated: 2025-12-23. Review status: criteria provided, single submitter. Criteria: Invitae Variant Classification Sherloc (09022015). Collection method: clinical testing. Allele origin: germline.

Blueprint Genetics
Classification: Likely benign. Last evaluated: 2024-11-14. Review status: criteria provided, single submitter. Criteria: ACMG Guidelines, 2015. Collection method: clinical testing. Allele origin: germline.

Fulgent Genetics
Classification: Benign for Waardenburg syndrome type 4B; Hirschsprung disease, susceptibility to, 4. Last evaluated: 2021-07-30. Review status: criteria provided, single submitter. Criteria: ACMG Guidelines, 2015. Collection method: clinical testing. Allele origin: unknown.

GeneDx
Classification: Likely benign. Last evaluated: 2021-01-14. Review status: criteria provided, single submitter. Criteria: GeneDx Variant Classification Process June 2021. Collection method: clinical testing. Allele origin: germline. Affected: yes.

Illumina Laboratory Services, Illumina
Classification: Benign for Hirschsprung disease, susceptibility to, 4. Last evaluated: 2018-01-13. Review status: criteria provided, single submitter. Criteria: ICSL Variant Classification Criteria 13 December 2019. Collection method: clinical testing. Allele origin: germline.
Comment: This variant was observed in the ICSL laboratory as part of a predisposition screen in an ostensibly healthy population. It had not been previously curated by ICSL or reported in the Human Gene Mutation Database (HGMD: prior to June 1st, 2018), and was therefore a candidate for classification through an automated scoring system. Utilizing variant allele frequency, disease prevalence and penetrance estimates, and inheritance mode, an automated score was calculated to assess if this variant is too frequent to cause the disease. Based on the score and internal cut-off values, a variant classified as benign is not then subjected to further curation. The score for this variant resulted in a classification of benign for this disease.

Laboratory for Molecular Medicine, Mass General Brigham Personalized Medicine
Classification: Benign. Last evaluated: 2017-02-16. Review status: criteria provided, single submitter. Criteria: LMM Criteria. Collection method: clinical testing. Allele origin: germline. Observed: 3 variant alleles.
Comment: p.Ala142Ala in exon 3 of EDN3: This variant is not expected to have clinical sig nificance because it does not alter an amino acid residue and is not located wit hin the splice consensus sequence. It has been identified in 0.9% (74/8652) of E ast Asian chromosomes and 0.2% (38/16512) of South Asian chromsomes by the Exome Aggregation Consortium (ExAC; dbSNPdbSNP rs1870 49336).

NM_207034.3(EDN3):c.426G>A (p.Ala142=)

Gene: EDN3 (endothelin 3; plus strand). Cytogenetic location: 20q13.32.
Variant type: single nucleotide variant.
Coding change: c.426G>A on transcript NM_207034.3 (MANE Select); coding-DNA position 426, G replaced by A.
Protein change: p.Ala142=; no amino-acid change (alanine 142 retained).
Molecular consequence: synonymous variant.
Genome position (GRCh38, 1-based): chr20:59,321,077, G>A. VCF-style: chr20-59321077-G-A. GRCh37 (hg19) VCF-style: chr20-57896132-G-A.
Other names: c.426G>A, p.Ala142= (NM_001302455.2, NM_001302456.2, NM_207032.3 and 1 more transcripts).
Identifiers: ClinVar variation 339124 (VCV000339124.20), dbSNP rs187049336, ClinGen allele CA9930372.
Genomic context (GRCh38, chr20:59,321,077, plus strand): 5'-ACAGACGGTGCCCTATGGACTGTCCAACTACAGAGGAAGCTTCCGGGGCAAGAGGTCTGC[G>A]GGGCCACTTCCAGGGAATCTGCAGCTCTCACATCGGCCACACTTGCGCTGCGCTTGTGTG-3'
Protein context (NP_996917.1, residues 132-152): YRGSFRGKRS[Ala142=]GPLPGNLQLS